The following is an entry in ClinVar:

NM_001199107.2(TBC1D24):c.977C>A (p.Ser326Tyr)

Gene: TBC1D24 (TBC1 domain family member 24; plus strand). Cytogenetic location: 16p13.3.
Variant type: single nucleotide variant.
Coding change: c.977C>A on transcript NM_001199107.2 (MANE Select); coding-DNA position 977, C replaced by A.
Protein change: p.Ser326Tyr; replaces serine 326 with tyrosine.
Molecular consequence: missense variant. On other transcripts: intron variant (1).
Genome position (GRCh38, 1-based): chr16:2,497,721, C>A. VCF-style: chr16-2497721-C-A. GRCh37 (hg19) VCF-style: chr16-2547722-C-A.
Other names: c.966-517C>A (NM_020705.3); short protein forms S326Y.
Identifiers: ClinVar variation 1388253 (VCV001388253.6), dbSNP rs2141873571, ClinGen allele CA394378336.

ClinVar aggregate classification (germline): Uncertain significance (1 of 4 stars; one submission).

Conditions:
Developmental and epileptic encephalopathy, 1 (DEE1). Also called: X-linked infantile spasms; West's syndrome; Tonic spasms with clustering, arrest of psychomotor development and hypsarrhythmia on EEG; X-Linked Infantile Spasm Syndrome; OHTAHARA SYNDROME, X-LINKED; INFANTILE SPASM SYNDROME, X-LINKED 1. Identifiers: MedGen C3463992, MONDO:0010632, OMIM 308350. Disease mechanism: loss of function.
Autosomal dominant nonsyndromic hearing loss 65. Also called: TBC1D24-Related Autosomal Dominant Nonsyndromic Hearing Loss (DFNA); Deafness, autosomal dominant 65. Identifiers: Orphanet 90635, MedGen C3892048, MONDO:0014470, OMIM 616044.

Submission:

Labcorp Genetics (formerly Invitae), Labcorp
Classification: Uncertain significance for Developmental and epileptic encephalopathy, 1; Autosomal dominant nonsyndromic hearing loss 65. Last evaluated: 2021-10-20. Review status: criteria provided, single submitter. Criteria: Invitae Variant Classification Sherloc (09022015). Collection method: clinical testing. Allele origin: germline.
Comment: In summary, the available evidence is currently insufficient to determine the role of this variant in disease. Therefore, it has been classified as a Variant of Uncertain Significance. Advanced modeling of protein sequence and biophysical properties (such as structural, functional, and spatial information, amino acid conservation, physicochemical variation, residue mobility, and thermodynamic stability) performed at Invitae indicates that this missense variant is not expected to disrupt TBC1D24 protein function. This variant has not been reported in the literature in individuals affected with TBC1D24-related conditions. The frequency data for this variant in the population databases is considered unreliable, as metrics indicate insufficient coverage at this position in the ExAC database. This sequence change replaces serine with tyrosine at codon 326 of the TBC1D24 protein (p.Ser326Tyr). The serine residue is weakly conserved and there is a large physicochemical difference between serine and tyrosine.